The following is an entry in ClinVar:

ClinVar aggregate classification (germline): Uncertain significance. Review status: criteria provided, multiple submitters, no conflicts (2 of 4 stars). 3 submissions from 3 submitters: Uncertain significance (2). 1 of the submissions does not count toward it. Last evaluated 2022-01-11.

Conditions:
Meckel-Gruber syndrome. Also called: Dysencephalia splachnocystica; DYSENCEPHALIA SPLANCHNOCYSTICA; GRUBER SYNDROME. Identifiers: Orphanet 564, MedGen C0265215, MONDO:0018921.
Joubert syndrome. Also called: Familial aplasia of the vermis; CEREBELLOPARENCHYMAL DISORDER IV; JOUBERT-BOLTSHAUSER SYNDROME. Identifiers: Orphanet 475, MedGen C5979921, MONDO:0018772.

Submissions (3):

Labcorp Genetics (formerly Invitae), Labcorp
Classification: Uncertain significance for Joubert syndrome; Meckel-Gruber syndrome. Last evaluated: 2022-01-11. Review status: criteria provided, single submitter. Criteria: Invitae Variant Classification Sherloc (09022015). Collection method: clinical testing. Allele origin: germline.
Comment: This variant, c.3533_3535del, results in the deletion of 1 amino acid(s) of the RPGRIP1L protein (p.Phe1178del), but otherwise preserves the integrity of the reading frame. This variant is not present in population databases (gnomAD no frequency). This variant has not been reported in the literature in individuals affected with RPGRIP1L-related conditions. ClinVar contains an entry for this variant (Variation ID: 991010). Experimental studies and prediction algorithms are not available or were not evaluated, and the functional significance of this variant is currently unknown. In summary, the available evidence is currently insufficient to determine the role of this variant in disease. Therefore, it has been classified as a Variant of Uncertain Significance.

Breakthrough Genomics
Classification: Uncertain significance. Review status: criteria provided, single submitter. Criteria: ACMG Guidelines, 2015. Collection method: not provided. Allele origin: germline. Inheritance: Autosomal recessive inheritance. Affected: yes.

Natera, Inc.
Classification: Uncertain significance for Joubert syndrome. Last evaluated: 2020-04-24. Review status: no assertion criteria provided. Collection method: clinical testing. Allele origin: germline. Not counted in ClinVar's aggregate classification.

NM_015272.5(RPGRIP1L):c.3533_3535del (p.Phe1178del)

Gene: RPGRIP1L (RPGRIP1 like; minus strand). Cytogenetic location: 16q12.2.
Variant type: Deletion.
Coding change: c.3533_3535del on transcript NM_015272.5 (MANE Select); coding-DNA positions 3533 to 3535, 3 bases deleted (TCT; older notation c.3533_3535delTCT).
Protein change: p.Phe1178del; deletes phenylalanine 1178.
Molecular consequence: inframe deletion.
Genome position (GRCh38, 1-based): chr16:53,619,106-53,619,108, AGA deleted on the plus strand (TCT on the coding strand, the reverse complement: RPGRIP1L is on the minus strand); deleting any 3 consecutive bases within chr16:53,619,106-53,619,109 gives the same sequence; the c. name uses the placement nearest the transcript's 3' end. VCF-style (leftmost placement, unchanged base first): chr16-53619105-TAGA-T. GRCh37 (hg19) VCF-style: chr16-53653017-TAGA-T.
Other names: c.3293_3295del, p.Phe1098del (NM_001127897.4); c.3395_3397del, p.Phe1132del (NM_001308334.3); c.3431_3433del, p.Phe1144del (NM_001330538.2); c.3533_3535delTCT (NM_015272.5); short protein forms F1098del, F1132del, F1144del, F1178del.
Identifiers: ClinVar variation 991010 (VCV000991010.4), dbSNP rs1964556741, ClinGen allele CA1139664685.